The following is an entry in ClinVar:

ClinVar aggregate classification (germline): Pathogenic (1 of 4 stars; one submission).

Conditions:
Hereditary cancer-predisposing syndrome. Also called: Hereditary Cancer Syndrome; Neoplastic Syndromes, Hereditary; Hereditary neoplastic syndrome; Tumor predisposition. Identifiers: Orphanet 140162, MedGen C0027672, MeSH D009386, MONDO:0015356.

Submission:

Ambry Genetics
Classification: Pathogenic for Hereditary cancer-predisposing syndrome. Last evaluated: 2020-08-05. Review status: criteria provided, single submitter. Criteria: Ambry Variant Classification Scheme 2023. Collection method: clinical testing. Allele origin: germline.
Comment: The c.2011_2014delTCTG pathogenic mutation, located in coding exon 20 of the RB1 gene, results from a deletion of 4 nucleotides at nucleotide positions 2011 to 2014, causing a translational frameshift with a predicted alternate stop codon (p.E672Tfs*4). This mutation was noted to segregate with disease within this family as this individual had two children affected with bilateral RB. Of note, authors referred to this mutation as g.156743delTCTG and p.675X (Abouzeid H et al. Mol Vis. 2009;15:771-7). In addition to the clinical data presented in the literature, this alteration is expected to result in loss of function by premature protein truncation or nonsense-mediated mRNA decay. As such, this alteration is interpreted as a disease-causing mutation.

Literature cited by the submitters: PubMed 19390654; PubMed 28529006.

NM_000321.3(RB1):c.2011_2014del (p.Glu672fs)

Gene: RB1 (RB transcriptional corepressor 1; plus strand). Cytogenetic location: 13q14.2.
Variant type: Microsatellite.
Coding change: c.2011_2014del on transcript NM_000321.3 (MANE Select); coding-DNA positions 2011 to 2014, 4 bases deleted (TCTG; older notation c.2011_2014delTCTG).
Protein change: p.Glu672fs; shifts the reading frame from glutamic acid 672.
Molecular consequence: frameshift variant.
Genome position (GRCh38, 1-based): chr13:48,459,738-48,459,741, TCTG deleted; deleting any 4 consecutive bases within chr13:48,459,734-48,459,741 gives the same sequence; the c. name uses the placement nearest the transcript's 3' end. VCF-style (leftmost placement, unchanged base first): chr13-48459733-TTCTG-T. GRCh37 (hg19) VCF-style: chr13-49033869-TTCTG-T.
Other names: c.2011_2014delTCTG (NM_000321.2); short protein forms E672fs.
Identifiers: ClinVar variation 428707 (VCV000428707.5), dbSNP rs1131690885, ClinGen allele CA645369597.